The following is an entry in ClinVar:

ClinVar aggregate classification (germline): Likely pathogenic (1 of 4 stars; one submission).

Conditions:
Cerebral creatine deficiency syndrome. Also called: Creatine deficiency syndromes. Identifiers: Orphanet 79172, MedGen C5244016, MONDO:0000456.

Submission:

Labcorp Genetics (formerly Invitae), Labcorp
Classification: Likely pathogenic for Cerebral creatine deficiency syndrome. Last evaluated: 2023-03-17. Review status: criteria provided, single submitter. Criteria: Invitae Variant Classification Sherloc (09022015). Collection method: clinical testing. Allele origin: germline.
Comment: In summary, the currently available evidence indicates that the variant is pathogenic, but additional data are needed to prove that conclusively. Therefore, this variant has been classified as Likely Pathogenic. Algorithms developed to predict the effect of sequence changes on RNA splicing suggest that this variant may disrupt the consensus splice site. This variant has not been reported in the literature in individuals affected with GAMT-related conditions. This variant is not present in population databases (gnomAD no frequency). This sequence change affects a donor splice site in intron 4 of the GAMT gene. It is expected to disrupt RNA splicing. Variants that disrupt the donor or acceptor splice site typically lead to a loss of protein function (PMID: 16199547), and loss-of-function variants in GAMT are known to be pathogenic (PMID: 15108290).

Literature cited by the submitters: PubMed 16199547; PubMed 15108290.

NM_000156.6(GAMT):c.459+1G>A

Gene: GAMT (guanidinoacetate N-methyltransferase; minus strand). Cytogenetic location: 19p13.3.
Variant type: single nucleotide variant.
Coding change: c.459+1G>A on transcript NM_000156.6 (MANE Select); the canonical splice donor site of the intron after coding-DNA position 459, G replaced by A.
Molecular consequence: splice donor variant.
Genome position (GRCh38, 1-based): chr19:1,399,127, C>T on the plus strand (G>A on the coding strand, the complement: GAMT is on the minus strand). VCF-style: chr19-1399127-C-T. GRCh37 (hg19) VCF-style: chr19-1399126-C-T.
Other names: c.459+1G>A (NM_138924.3).
Identifiers: ClinVar variation 3022922 (VCV003022922.3), dbSNP rs113246280, ClinGen allele CA304066072.